The following is an entry in ClinVar:

ClinVar aggregate classification (germline): Conflicting classifications of pathogenicity. Review status: criteria provided, conflicting classifications (1 of 4 stars). 3 submissions from 3 submitters: Uncertain significance (2); Likely benign (1). Last evaluated 2025-05-16.

Conditions:
Hereditary cancer-predisposing syndrome. Also called: Hereditary neoplastic syndrome; Hereditary Cancer Syndrome; Neoplastic Syndromes, Hereditary; Tumor predisposition. Identifiers: Orphanet 140162, MedGen C0027672, MeSH D009386, MONDO:0015356.
Hereditary breast ovarian cancer syndrome. Also called: Hereditary breast and ovarian cancer syndrome; Hereditary breast and ovarian cancer syndrome (HBOC); Breast and ovarian cancer; Hereditary breast and/or ovarian cancer syndrome; Hereditary breast and ovarian cancer; BRCA1- and BRCA2-Associated Hereditary Breast and Ovarian Cancer. Identifiers: Orphanet 145, MedGen C0677776, MeSH D061325, MONDO:0003582. Disease mechanism: loss of function.

Submissions (3):

Ambry Genetics
Classification: Uncertain significance for Hereditary cancer-predisposing syndrome. Last evaluated: 2025-05-16. Review status: criteria provided, single submitter. Criteria: Ambry Variant Classification Scheme 2023. Collection method: clinical testing. Allele origin: germline.
Comment: The p.Q491P variant (also known as c.1472A>C), located in coding exon 9 of the BRCA1 gene, results from an A to C substitution at nucleotide position 1472. The glutamine at codon 491 is replaced by proline, an amino acid with similar properties. This amino acid position is not well conserved in available vertebrate species. In addition, the in silico prediction for this alteration is inconclusive. Based on the available evidence, the clinical significance of this variant remains unclear.

Labcorp Genetics (formerly Invitae), Labcorp
Classification: Uncertain significance for Hereditary breast ovarian cancer syndrome. Last evaluated: 2024-01-21. Review status: criteria provided, single submitter. Criteria: Invitae Variant Classification Sherloc (09022015). Collection method: clinical testing. Allele origin: germline.
Comment: This sequence change replaces glutamine, which is neutral and polar, with proline, which is neutral and non-polar, at codon 491 of the BRCA1 protein (p.Gln491Pro). This variant is not present in population databases (gnomAD no frequency). This variant has not been reported in the literature in individuals affected with BRCA1-related conditions. ClinVar contains an entry for this variant (Variation ID: 229818). Advanced modeling of protein sequence and biophysical properties (such as structural, functional, and spatial information, amino acid conservation, physicochemical variation, residue mobility, and thermodynamic stability) performed at Invitae indicates that this missense variant is not expected to disrupt BRCA1 protein function with a negative predictive value of 95%. In summary, the available evidence is currently insufficient to determine the role of this variant in disease. Therefore, it has been classified as a Variant of Uncertain Significance.

University of Washington Department of Laboratory Medicine, University of Washington
Classification: Likely benign for Hereditary cancer-predisposing syndrome. Last evaluated: 2023-03-23. Review status: criteria provided, single submitter. Criteria: Dines et al. (Genet Med. 2020). Collection method: curation. Allele origin: germline.
Comment: Missense variant in a coldspot region where missense variants are very unlikely to be pathogenic (PMID:31911673).

BRCA1 coldspot (exon 11 using historical exon numbering). Reclassification based on statistical prior probability

NM_007294.4(BRCA1):c.1472A>C (p.Gln491Pro)

Gene: BRCA1 (BRCA1 DNA repair associated; minus strand). Cytogenetic location: 17q21.31.
Variant type: single nucleotide variant.
Coding change: c.1472A>C on transcript NM_007294.4 (MANE Select); coding-DNA position 1472, A replaced by C.
Protein change: p.Gln491Pro; replaces glutamine 491 with proline.
Molecular consequence: missense variant. On other transcripts: intron variant (137).
Genome position (GRCh38, 1-based): chr17:43,094,059, T>G on the plus strand (A>C on the coding strand, the complement: BRCA1 is on the minus strand). VCF-style: chr17-43094059-T-G. GRCh37 (hg19) VCF-style: chr17-41246076-T-G.
Other names: c.1259A>C, p.Gln420Pro (NM_001407571.1, NM_001407853.1, NM_001407894.1 and 9 more transcripts); c.1472A>C, p.Gln491Pro (NM_001407581.1, NM_001407582.1, NM_001407583.1 and 30 more transcripts); c.1469A>C, p.Gln490Pro (NM_001407587.1, NM_001407590.1, NM_001407591.1 and 22 more transcripts); c.1349A>C, p.Gln450Pro (NM_001407919.1, NM_001407648.1, NM_001407937.1 and 19 more transcripts); c.1208A>C, p.Gln403Pro (NM_001407920.1, NM_001407921.1, NM_001407922.1 and 9 more transcripts); c.1463A>C, p.Gln488Pro (NM_001407646.1, NM_001407647.1); c.1346A>C, p.Gln449Pro (NM_001407649.1, NM_001407940.1, NM_001407941.1 and 11 more transcripts); c.1205A>C, p.Gln402Pro (NM_001407930.1, NM_001407931.1, NM_001407932.1 and 2 more transcripts); and 40 more; short protein forms Q491P, Q444P, Q363P, Q424P, Q443P, Q449P, Q465P, Q490P.
Identifiers: ClinVar variation 229818 (VCV000229818.12), dbSNP rs80357376, ClinGen allele CA10580664.